The following is an entry in ClinVar:

NM_000088.4(COL1A1):c.725G>A (p.Gly242Asp)

Genes: COL1A1 (collagen type I alpha 1 chain; minus strand), LOC126862586 (CDK7 strongly-dependent group 2 enhancer GRCh37_chr17:48273702-48274901; plus strand). Cytogenetic location: 17q21.33.
Variant type: single nucleotide variant.
Coding change: c.725G>A on transcript NM_000088.4 (MANE Select); coding-DNA position 725, G replaced by A.
Protein change: p.Gly242Asp; replaces glycine 242 with aspartic acid.
Molecular consequence: missense variant.
Genome position (GRCh38, 1-based): chr17:50,197,205, C>T on the plus strand (G>A on the coding strand, the complement: COL1A1 is on the minus strand). VCF-style: chr17-50197205-C-T. GRCh37 (hg19) VCF-style: chr17-48274566-C-T.
Other names: short protein forms G242D.
Identifiers: ClinVar variation 4710416 (VCV004710416.1).
Genomic context (GRCh38, chr17:50,197,205, plus strand): 5'-GTGAAGCCCAGGTTCAGCCACAGCCCCCTGCTCACCTGAGGCCCAGGAGGCCCACGCTCA[C>T]CAGGACGACCAGGTTTTCCAGCTTCCCCCTGAGAGGGAGAGAAAAGACCATCATGCCTCT-3'
Protein context (NP_000079.2, residues 232-252): DGEAGKPGRP[Gly242Asp]ERGPPGPQGA

ClinVar aggregate classification (germline): Pathogenic (1 of 4 stars; one submission).

Conditions:
Osteogenesis imperfecta type I (OI1). Also called: OI, TYPE I; OSTEOGENESIS IMPERFECTA TARDA; OSTEOGENESIS IMPERFECTA WITH BLUE SCLERAE; Osteogenesis imperfecta type 1; Classic Non-deforming Osteogenesis Imperfecta with Blue Sclerae; Lobstein's Disease. Identifiers: Orphanet 216796, Orphanet 666, MedGen C0023931, MONDO:0008146, OMIM 166200. Disease mechanism: loss of function.

Submission:

Labcorp Genetics (formerly Invitae), Labcorp
Classification: Pathogenic for Osteogenesis imperfecta type I. Last evaluated: 2025-12-02. Review status: criteria provided, single submitter. Criteria: Invitae Variant Classification Sherloc (09022015). Collection method: clinical testing. Allele origin: germline.
Comment: This sequence change replaces glycine, which is neutral and non-polar, with aspartic acid, which is acidic and polar, at codon 242 of the COL1A1 protein (p.Gly242Asp). This variant is not present in population databases (gnomAD no frequency). This missense change has been observed in individual(s) with osteogenesis imperfecta (PMID: 16705691; internal data). Invitae Evidence Modeling of protein sequence and biophysical properties (such as structural, functional, and spatial information, amino acid conservation, physicochemical variation, residue mobility, and thermodynamic stability) indicates that this missense variant is expected to disrupt COL1A1 protein function with a positive predictive value of 95%. This variant disrupts the triple helix domain of COL1A1. Glycine residues within the Gly-Xaa-Yaa repeats of the triple helix domain are required for the structure and stability of fibrillar collagens (PMID: 7695699, 8218237, 19344236). In COL1A1, variants affecting these glycine residues are significantly enriched in individuals with disease (PMID: 9016532, 17078022) compared to the general population (ExAC). This variant disrupts the p.Gly242 amino acid residue in COL1A1. Other variant(s) that disrupt this residue have been observed in individuals with COL1A1-related conditions (PMID: 16705691, 30715774), which suggests that this may be a clinically significant amino acid residue. For these reasons, this variant has been classified as Pathogenic.

Literature cited by the submitters: PubMed 16705691; PubMed 7695699; PubMed 8218237; PubMed 19344236; PubMed 9016532; PubMed 17078022; PubMed 30715774.